The following is an entry in ClinVar:

ClinVar aggregate classification (germline): Uncertain significance (1 of 4 stars; one submission).

Submission:

GeneDx
Classification: Uncertain significance. Last evaluated: 2022-10-20. Review status: criteria provided, single submitter. Criteria: GeneDx Variant Classification Process June 2021. Collection method: clinical testing. Allele origin: germline. Affected: yes.
Comment: In-frame deletion of one amino acid in a non-repeat region; Not observed at significant frequency in large population cohorts (gnomAD); In silico analysis supports a deleterious effect on protein structure/function; Has not been previously published as pathogenic or benign to our knowledge

NM_025114.4(CEP290):c.2856_2858del (p.Val953del)

Gene: CEP290 (centrosomal protein 290; minus strand). Cytogenetic location: 12q21.32.
Variant type: Deletion.
Coding change: c.2856_2858del on transcript NM_025114.4 (MANE Select); coding-DNA positions 2856 to 2858, 3 bases deleted (TGT; older notation c.2856_2858delTGT).
Protein change: p.Val953del; deletes valine 953.
Molecular consequence: inframe deletion.
Genome position (GRCh38, 1-based): chr12:88,102,971-88,102,973, ACA deleted on the plus strand (TGT on the coding strand, the reverse complement: CEP290 is on the minus strand); deleting any 3 consecutive bases within chr12:88,102,971-88,102,975 gives the same sequence; the c. name uses the placement nearest the transcript's 3' end. VCF-style (leftmost placement, unchanged base first): chr12-88102970-TACA-T. GRCh37 (hg19) VCF-style: chr12-88496747-TACA-T.
Other names: short protein forms V953del.
Identifiers: ClinVar variation 2499747 (VCV002499747.1), dbSNP rs2500529642, ClinGen allele CA2580086716.
Genomic context (GRCh38, chr12:88,102,970, plus strand): 5'-AGTCAGTTCATTGTACTGTTTATTAGCCAGTTCTAGTTCAGACAAAGAAACACTATTATC[TACA>T]ACTTTTTGGAGAGCTGCAATCTTGAAAATGGCCATTTCCTATGTAAATAAAGATACACTG-3'